The following is an entry in ClinVar:

ClinVar aggregate classification (germline): Uncertain significance (0 of 4 stars; one submission).

Conditions:
PLXNA3-related disorder. Also called: PLXNA3-related condition.

Submission:

PreventionGenetics, part of Exact Sciences
Classification: Uncertain significance for PLXNA3-related condition. Last evaluated: 2024-09-13. Review status: no assertion criteria provided. Collection method: clinical testing. Allele origin: germline.
Comment: The PLXNA3 c.1402T>C variant is predicted to result in the amino acid substitution p.Phe468Leu. To our knowledge, this variant has not been reported in the literature or in a large population database, indicating this variant is rare. At this time, the clinical significance of this variant is uncertain due to the absence of conclusive functional and genetic evidence.

NM_017514.5(PLXNA3):c.1402T>C (p.Phe468Leu)

Gene: PLXNA3 (plexin A3; plus strand). Cytogenetic location: Xq28.
Variant type: single nucleotide variant.
Coding change: c.1402T>C on transcript NM_017514.5 (MANE Select); coding-DNA position 1402, T replaced by C.
Protein change: p.Phe468Leu; replaces phenylalanine 468 with leucine.
Molecular consequence: missense variant.
Genome position (GRCh38, 1-based): chrX:154,463,475, T>C. VCF-style: chrX-154463475-T-C. GRCh37 (hg19) VCF-style: chrX-153691818-T-C.
Other names: short protein forms F468L.
Identifiers: ClinVar variation 3347390 (VCV003347390.1).